The following is an entry in ClinVar:

ClinVar aggregate classification (germline): Uncertain significance. Review status: criteria provided, multiple submitters, no conflicts (2 of 4 stars). 2 submissions from 2 submitters: Uncertain significance (2). Last evaluated 2025-11-11.

Conditions:
Epidermolysis bullosa simplex with nail dystrophy (EBS5D). Identifiers: MedGen C4225309, MONDO:0014661, OMIM 616487.
Epidermolysis bullosa simplex 5B, with muscular dystrophy (EBS5B). Also called: EPIDERMOLYSIS BULLOSA SIMPLEX AND LIMB-GIRDLE MUSCULAR DYSTROPHY; Epidermolysis bullosa simplex with muscular dystrophy. Identifiers: Orphanet 257, MedGen C2931072, MONDO:0009181, OMIM 226670.
Epidermolysis bullosa simplex, Ogna type (EBS5A). Also called: Pidermolysis bullosa simplex 5A, Ogna type; EPIDERMOLYSIS BULLOSA SIMPLEX 5A, OGNA TYPE. Identifiers: Orphanet 79401, MedGen C0432317, MONDO:0007555, OMIM 131950.
Epidermolysis bullosa simplex 5C, with pyloric atresia (EBS5C). Also called: Epidermolysis bullosa simplex with pyloric atresia; PLEC-Related Epidermolysis Bullosa with Pyloric Atresia; PLEC1-Related Epidermolysis Bullosa with Pyloric Atresia. Identifiers: Orphanet 158684, MedGen C2677349, MONDO:0012807, OMIM 612138.
Autosomal recessive limb-girdle muscular dystrophy type 2Q (LGMDR17). Also called: MUSCULAR DYSTROPHY, LIMB-GIRDLE, AUTOSOMAL RECESSIVE 17. Identifiers: Orphanet 254361, MedGen C3150989, MONDO:0013390, OMIM 613723.
Inborn genetic diseases. Identifiers: MedGen C0950123, MeSH D030342.

gnomAD v4.1: 8 of 1,609,238 alleles (0.0005%); highest among the groups gnomAD compares: Admixed American, 0.0033%; no homozygotes.

Submissions (2):

Ambry Genetics
Classification: Uncertain significance for Inborn genetic diseases. Last evaluated: 2025-11-11. Review status: criteria provided, single submitter. Criteria: Ambry Variant Classification Scheme 2023. Collection method: clinical testing. Allele origin: germline.

Labcorp Genetics (formerly Invitae), Labcorp
Classification: Uncertain significance for Autosomal recessive limb-girdle muscular dystrophy type 2Q; Epidermolysis bullosa simplex, Ogna type; Epidermolysis bullosa simplex with nail dystrophy; Epidermolysis bullosa simplex 5C, with pyloric atresia; Epidermolysis bullosa simplex 5B, with muscular dystrophy. Last evaluated: 2022-08-21. Review status: criteria provided, single submitter. Criteria: Invitae Variant Classification Sherloc (09022015). Collection method: clinical testing. Allele origin: germline.
Comment: This sequence change replaces aspartic acid, which is acidic and polar, with glutamic acid, which is acidic and polar, at codon 2233 of the PLEC protein (p.Asp2233Glu). The frequency data for this variant in the population databases is considered unreliable, as metrics indicate poor data quality at this position in the gnomAD database. This variant has not been reported in the literature in individuals affected with PLEC-related conditions. Algorithms developed to predict the effect of missense changes on protein structure and function are either unavailable or do not agree on the potential impact of this missense change (SIFT: "Deleterious"; PolyPhen-2: "Benign"; Align-GVGD: "Class C35"). In summary, the available evidence is currently insufficient to determine the role of this variant in disease. Therefore, it has been classified as a Variant of Uncertain Significance.

NM_201384.3(PLEC):c.6618C>A (p.Asp2206Glu)

Gene: PLEC (plectin; minus strand). Cytogenetic location: 8q24.3.
Variant type: single nucleotide variant.
Coding change: c.6618C>A on transcript NM_201384.3 (MANE Select); coding-DNA position 6618, C replaced by A.
Protein change: p.Asp2206Glu; replaces aspartic acid 2206 with glutamic acid.
Molecular consequence: missense variant.
Genome position (GRCh38, 1-based): chr8:143,923,311, G>T on the plus strand (C>A on the coding strand, the complement: PLEC is on the minus strand). VCF-style: chr8-143923311-G-T. GRCh37 (hg19) VCF-style: chr8-144997479-G-T.
Other names: c.6699C>A, p.Asp2233Glu (NM_000445.5); c.6576C>A, p.Asp2192Glu (NM_201378.4); c.6552C>A, p.Asp2184Glu (NM_201379.3); c.7029C>A, p.Asp2343Glu (NM_201380.4); c.6522C>A, p.Asp2174Glu (NM_201381.3); c.6618C>A, p.Asp2206Glu (NM_201382.4); c.6630C>A, p.Asp2210Glu (NM_201383.3); c.6699C>A (NM_000445.3); short protein forms D2174E, D2184E, D2233E, D2343E, D2192E, D2206E, D2210E.
Identifiers: ClinVar variation 2194337 (VCV002194337.5), dbSNP rs200658318, ClinGen allele CA4925928.